The following is an entry in ClinVar:

NM_017514.5(PLXNA3):c.56G>A (p.Gly19Asp)

Gene: PLXNA3 (plexin A3; plus strand). Cytogenetic location: Xq28.
Variant type: single nucleotide variant.
Coding change: c.56G>A on transcript NM_017514.5 (MANE Select); coding-DNA position 56, G replaced by A.
Protein change: p.Gly19Asp; replaces glycine 19 with aspartic acid.
Molecular consequence: missense variant.
Genome position (GRCh38, 1-based): chrX:154,460,239, G>A. VCF-style: chrX-154460239-G-A. GRCh37 (hg19) VCF-style: chrX-153688579-G-A.
Other names: c.56G>A (NM_017514.4); short protein forms G19D.
Identifiers: ClinVar variation 599563 (VCV000599563.9), dbSNP rs202070666, ClinGen allele CA10563584.

ClinVar aggregate classification (germline): Conflicting classifications of pathogenicity. Review status: criteria provided, conflicting classifications (1 of 4 stars). 4 submissions from 4 submitters: Uncertain significance (2); Benign (1). 1 of the submissions does not count toward it. Last evaluated 2026-02-25.

Conditions:
PLXNA3-related disorder. Also called: PLXNA3-related condition.
Short stature. Identifiers: MedGen C0349588, HP:0004322.

Allele frequency attached by ClinVar (database versions not stated): ESP Exome Variant Server 0.00019; ExAC 0.00020; gnomAD 0.00021 and 0.00066; gnomAD exomes 0.00022 and 0.00030; TOPMed 0.00085.
gnomAD v4.1: 402 of 1,208,325 alleles (0.033%); highest among the groups gnomAD compares: Non-Finnish European, 0.037%; 1 homozygote.

Submissions (4):

PreventionGenetics, part of Exact Sciences
Classification: Uncertain significance for PLXNA3-related condition. Last evaluated: 2026-02-25. Review status: criteria provided, single submitter. Criteria: ACMG Guidelines, 2015. Collection method: clinical testing. Allele origin: germline.
Comment: The PLXNA3 c.56G>A variant is predicted to result in the amino acid substitution p.Gly19Asp. To our knowledge, this variant has not been reported in the literature. This variant is reported in 0.039% of alleles in individuals of European (non-Finnish) descent in gnomAD, including 16 hemizygous individuals. Although we suspect this variant may be benign, at this time, the clinical significance of this variant is uncertain due to the absence of conclusive functional and genetic evidence.

Ambry Genetics
Classification: Uncertain significance. Last evaluated: 2024-09-02. Review status: criteria provided, single submitter. Criteria: Ambry Variant Classification Scheme 2023. Collection method: clinical testing. Allele origin: germline.

Mendelics
Classification: Benign. Last evaluated: 2022-05-04. Review status: criteria provided, single submitter. Criteria: Mendelics Assertion Criteria 2019. Collection method: clinical testing. Allele origin: germline.

Institute of Human Genetics, FAU Erlangen, Friedrich-Alexander-Universität Erlangen-Nürnberg
Classification: Likely pathogenic for Short stature. Last evaluated: 2001-11-18. Review status: no assertion criteria provided. Collection method: case-control. Allele origin: maternal, unknown. Affected: yes. Not counted in ClinVar's aggregate classification.